The following is an entry in ClinVar:

NM_001256317.3(TMPRSS3):c.274T>C (p.Cys92Arg)

Gene: TMPRSS3 (transmembrane serine protease 3; minus strand). Cytogenetic location: 21q22.3.
Variant type: single nucleotide variant.
Coding change: c.274T>C on transcript NM_001256317.3 (MANE Select); coding-DNA position 274, T replaced by C.
Protein change: p.Cys92Arg; replaces cysteine 92 with arginine.
Molecular consequence: missense variant. On other transcripts: 5 prime UTR variant (1).
Genome position (GRCh38, 1-based): chr21:42,388,977, A>G on the plus strand (T>C on the coding strand, the complement: TMPRSS3 is on the minus strand). VCF-style: chr21-42388977-A-G. GRCh37 (hg19) VCF-style: chr21-43809086-A-G.
Other names: c.274T>C, p.Cys92Arg (NM_024022.4, NM_032405.2); c.-108T>C (NM_032404.3); c.274T>C (NM_024022.2); short protein forms C92R.
Identifiers: ClinVar variation 3384980 (VCV003384980.6).

ClinVar aggregate classification (germline): Conflicting classifications of pathogenicity. Review status: criteria provided, conflicting classifications (1 of 4 stars). 3 submissions from 3 submitters: Likely pathogenic (2); Uncertain significance (1). Last evaluated 2026-06-26.

Conditions:
TMPRSS3-related disorder. Also called: TMPRSS3-related condition.
Autosomal recessive nonsyndromic hearing loss 8 (DFNB8). Also called: Deafness, autosomal recessive 10; NEUROSENSORY NONSYNDROMIC RECESSIVE DEAFNESS 8. Identifiers: Orphanet 90636, MedGen C1832827, MONDO:0010987, OMIM 601072.

gnomAD v4.1: 6 of 1,614,128 alleles (0.00037%); highest among the groups gnomAD compares: African/African-American, 0.0013%; no homozygotes.

Submissions (3):

Women's Health and Genetics/Laboratory Corporation of America, LabCorp
Classification: Likely pathogenic for Autosomal recessive nonsyndromic hearing loss 8. Last evaluated: 2026-06-26. Review status: criteria provided, single submitter. Criteria: LabCorp Variant Classification Summary - May 2015. Collection method: clinical testing. Allele origin: germline.
Comment: Variant summary: TMPRSS3 c.274T>C (p.Cys92Arg) results in a non-conservative amino acid change in the encoded protein sequence. Algorithms developed to predict the effect of missense changes on protein structure and function all suggest that this variant is likely to be disruptive. The variant was absent in 251444 control chromosomes. c.274T>C has been observed in individual(s) affected with TMPRSS3-related conditions (Yu_2023, internal data). These data indicate that the variant may be associated with disease. To our knowledge, no experimental evidence demonstrating an impact on protein function has been reported. Internally validated machine learning-based Evidence Modeling of protein sequence and biophysical properties (such as structural, functional, and spatial information, amino acid conservation, physicochemical variation, residue mobility, and thermodynamic stability) indicates that this missense variant is expected to disrupt protein function with a positive predictive value of at least 95%. The following publication has been ascertained in the context of this evaluation (PMID: 37023310). ClinVar contains an entry for this variant (Variation ID: 3384980). Based on the evidence outlined above, the variant was classified as likely pathogenic.

PreventionGenetics, part of Exact Sciences
Classification: Uncertain significance for TMPRSS3-related condition. Last evaluated: 2025-07-17. Review status: criteria provided, single submitter. Criteria: ACMG Guidelines, 2015. Collection method: clinical testing. Allele origin: germline.
Comment: The TMPRSS3 c.274T>C variant is predicted to result in the amino acid substitution p.Cys92Arg. This variant was reported together with second TMPRSS3 variant in an individual with pre-lingual hearing loss (Yu et al. 2023. PubMed ID: 37023310). This variant has not been reported in a large population database (gnomAD), indicating this variant is rare. Although we suspect that this variant may be pathogenic, at this time, the clinical significance of this variant is uncertain due to the absence of conclusive functional and genetic evidence.

Labcorp Genetics (formerly Invitae), Labcorp
Classification: Likely pathogenic. Last evaluated: 2024-07-08. Review status: criteria provided, single submitter. Criteria: Invitae Variant Classification Sherloc (09022015). Collection method: clinical testing. Allele origin: germline.
Comment: This sequence change replaces cysteine, which is neutral and slightly polar, with arginine, which is basic and polar, at codon 92 of the TMPRSS3 protein (p.Cys92Arg). This variant is not present in population databases (gnomAD no frequency). This missense change has been observed in individual(s) with autosomal recessive deafness (PMID: 37023310). In at least one individual the data is consistent with being in trans (on the opposite chromosome) from a pathogenic variant. Advanced modeling of protein sequence and biophysical properties (such as structural, functional, and spatial information, amino acid conservation, physicochemical variation, residue mobility, and thermodynamic stability) performed at Invitae indicates that this missense variant is expected to disrupt TMPRSS3 protein function with a positive predictive value of 95%. In summary, the currently available evidence indicates that the variant is pathogenic, but additional data are needed to prove that conclusively. Therefore, this variant has been classified as Likely Pathogenic.

Literature cited by the submitters: PubMed 37023310 (cited by Women's Health and Genetics/Laboratory Corporation of America, LabCorp and Labcorp Genetics (formerly Invitae), Labcorp).